The following is an entry in ClinVar:

NM_001165963.4(SCN1A):c.25C>G (p.Pro9Ala)

Gene: SCN1A (sodium voltage-gated channel alpha subunit 1; minus strand). Cytogenetic location: 2q24.3.
Variant type: single nucleotide variant.
Coding change: c.25C>G on transcript NM_001165963.4 (MANE Select); coding-DNA position 25, C replaced by G.
Protein change: p.Pro9Ala; replaces proline 9 with alanine.
Molecular consequence: missense variant. On other transcripts: 5 prime UTR variant (1), non-coding transcript variant (1).
Genome position (GRCh38, 1-based): chr2:166,073,597, G>C on the plus strand (C>G on the coding strand, the complement: SCN1A is on the minus strand). VCF-style: chr2-166073597-G-C. GRCh37 (hg19) VCF-style: chr2-166930107-G-C.
Other names: c.25C>G, p.Pro9Ala (NM_001165964.3, NM_001202435.3, NM_001353948.2 and 10 more transcripts); c.-2401C>G (NM_001353961.2); short protein forms P9A.
Identifiers: ClinVar variation 858085 (VCV000858085.9), dbSNP rs757688309, ClinGen allele CA60270535.

ClinVar aggregate classification (germline): Uncertain significance (1 of 4 stars; one submission).

Conditions:
Early-infantile DEE. Also called: Early infantile epileptic encephalopathy; Early infantile epileptic encephalopathy with suppression bursts; Ohtahara syndrome. Identifiers: Orphanet 1934, MedGen C0393706, MONDO:0800491.

Allele frequency attached by ClinVar (database versions not stated): TOPMed below 0.00001; gnomAD 0.00001; gnomAD exomes 0.00001.
gnomAD v4.1: 23 of 1,614,008 alleles (0.0014%); highest among the groups gnomAD compares: Middle Eastern, 0.016%; no homozygotes.

Submission:

Labcorp Genetics (formerly Invitae), Labcorp
Classification: Uncertain significance for Early-infantile DEE. Last evaluated: 2024-10-23. Review status: criteria provided, single submitter. Criteria: Invitae Variant Classification Sherloc (09022015). Collection method: clinical testing. Allele origin: germline.
Comment: This sequence change replaces proline, which is neutral and non-polar, with alanine, which is neutral and non-polar, at codon 9 of the SCN1A protein (p.Pro9Ala). This variant is present in population databases (rs757688309, gnomAD 0.002%). This missense change has been observed in individual(s) with SCN1A-related conditions (PMID: 32031527). ClinVar contains an entry for this variant (Variation ID: 858085). Invitae Evidence Modeling of protein sequence and biophysical properties (such as structural, functional, and spatial information, amino acid conservation, physicochemical variation, residue mobility, and thermodynamic stability) indicates that this missense variant is expected to disrupt SCN1A protein function with a positive predictive value of 95%. In summary, the available evidence is currently insufficient to determine the role of this variant in disease. Therefore, it has been classified as a Variant of Uncertain Significance.

Literature cited by the submitters: PubMed 32031527.